The following is an entry in ClinVar:

NM_031471.6(FERMT3):c.1718G>A (p.Arg573Gln)

Gene: FERMT3 (FERM domain containing kindlin 3; plus strand). Cytogenetic location: 11q13.1.
Variant type: single nucleotide variant.
Coding change: c.1718G>A on transcript NM_031471.6 (MANE Select); coding-DNA position 1718, G replaced by A.
Protein change: p.Arg573Gln; replaces arginine 573 with glutamine.
Molecular consequence: missense variant.
Genome position (GRCh38, 1-based): chr11:64,223,095, G>A. VCF-style: chr11-64223095-G-A. GRCh37 (hg19) VCF-style: chr11-63990567-G-A.
Other names: c.1718G>A, p.Arg573Gln (NM_001382361.1, NM_001382448.1); c.1730G>A, p.Arg577Gln (NM_001382362.1, NM_178443.3); c.1178G>A, p.Arg393Gln (NM_001382363.1); c.1190G>A, p.Arg397Gln (NM_001382364.1); c.1718G>A (NM_031471.5); short protein forms R397Q, R573Q, R577Q, R393Q.
Identifiers: ClinVar variation 2178941 (VCV002178941.5), dbSNP rs745740665, ClinGen allele CA6069267.

ClinVar aggregate classification (germline): Uncertain significance. Review status: criteria provided, multiple submitters, no conflicts (2 of 4 stars). 2 submissions from 2 submitters: Uncertain significance (2). Last evaluated 2022-07-13.

Conditions:
Inborn genetic diseases. Identifiers: MedGen C0950123, MeSH D030342.
Leukocyte adhesion deficiency 3. Also called: INTEGRIN ACTIVATION DEFICIENCY DISEASE; LEUKOCYTE ADHESION DEFICIENCY 1 VARIANT; Leukocyte adhesion deficiency, type III. Identifiers: Orphanet 2968, Orphanet 99844, MedGen C2748536, MONDO:0013016, OMIM 612840.

Allele frequency attached by ClinVar (database versions not stated): gnomAD 0.00001; gnomAD exomes 0.00001; TOPMed 0.00001; ExAC 0.00002.
gnomAD v4.1: 12 of 1,613,800 alleles (0.00074%); highest among the groups gnomAD compares: Admixed American, 0.0033%; no homozygotes.

Submissions (2):

Labcorp Genetics (formerly Invitae), Labcorp
Classification: Uncertain significance for Leukocyte adhesion deficiency 3. Last evaluated: 2022-07-13. Review status: criteria provided, single submitter. Criteria: Invitae Variant Classification Sherloc (09022015). Collection method: clinical testing. Allele origin: germline.
Comment: In summary, the available evidence is currently insufficient to determine the role of this variant in disease. Therefore, it has been classified as a Variant of Uncertain Significance. This sequence change replaces arginine, which is basic and polar, with glutamine, which is neutral and polar, at codon 573 of the FERMT3 protein (p.Arg573Gln). This variant is present in population databases (rs745740665, gnomAD 0.006%). This variant has not been reported in the literature in individuals affected with FERMT3-related conditions. Algorithms developed to predict the effect of missense changes on protein structure and function are either unavailable or do not agree on the potential impact of this missense change (SIFT: "Deleterious"; PolyPhen-2: "Probably Damaging"; Align-GVGD: "Class C0").

Ambry Genetics
Classification: Uncertain significance for Inborn genetic diseases. Last evaluated: 2022-04-08. Review status: criteria provided, single submitter. Criteria: Ambry Variant Classification Scheme 2023. Collection method: clinical testing. Allele origin: germline.